The following is an entry in ClinVar:

ClinVar aggregate classification (germline): Pathogenic. Review status: criteria provided, multiple submitters, no conflicts (2 of 4 stars). 2 submissions from 2 submitters: Pathogenic (2). Last evaluated 2024-06-07.

Conditions:
Mucopolysaccharidosis, MPS-II (MPS2). Also called: Mucopolysaccharidosis type 2; Hunter Syndrome; IDURONATE 2-SULFATASE DEFICIENCY; Mucopolysaccharidosis Type II; IDS deficiency; Sulfoiduronate sulfatase deficiency. Identifiers: Orphanet 580, Orphanet 79388, MedGen C0026705, MONDO:0010674, OMIM 309900.

Submissions (2):

Laboratory of Diagnosis and Therapy of Lysosomal Disorders, University of Padova
Classification: Pathogenic for Mucopolysaccharidosis, MPS-II. Last evaluated: 2024-06-07. Review status: criteria provided, single submitter. Criteria: ACMG Guidelines, 2015. Collection method: literature only. Allele origin: germline. Affected: yes. Observed: 6 variant alleles.
Comment: Null variant (PVS1_VeryStrong), Prevalence of the variant significantly increased in affected individuals compared with controls (PS4_Supporting), Absent from controls (or at low frequency) in gnomAD database (PM2_Moderate), Patient’s phenotype or family history highly specific for the disease (PP4_Strong)

Classification method: ACMG Guidelines [PMID:25741868] with modifications

Department of Medical Genetics, Sanjay Gandhi Post Graduate Institute of Medical Sciences
Classification: Pathogenic for Mucopolysaccharidosis, MPS-II. Review status: criteria provided, single submitter. Criteria: ACMG Guidelines, 2015. Collection method: clinical testing. Allele origin: germline. Inheritance: X-linked recessive inheritance. Affected: yes. Observed: 1 variant allele, 1 hemizygote.

Literature cited by the submitters: PubMed 35144014 (cited by Laboratory of Diagnosis and Therapy of Lysosomal Disorders, University of Padova); PubMed 26762690 (cited by Laboratory of Diagnosis and Therapy of Lysosomal Disorders, University of Padova); PubMed 28077157 (cited by Laboratory of Diagnosis and Therapy of Lysosomal Disorders, University of Padova); PubMed 24798265 (cited by Laboratory of Diagnosis and Therapy of Lysosomal Disorders, University of Padova); PubMed 16133661 (cited by Laboratory of Diagnosis and Therapy of Lysosomal Disorders, University of Padova); PubMed 21291454 (cited by Laboratory of Diagnosis and Therapy of Lysosomal Disorders, University of Padova).

NM_000202.8(IDS):c.223C>T (p.Gln75Ter)

Gene: IDS (iduronate 2-sulfatase; minus strand). Cytogenetic location: Xq28.
Variant type: single nucleotide variant.
Coding change: c.223C>T on transcript NM_000202.8 (MANE Select); coding-DNA position 223, C replaced by T.
Protein change: p.Gln75Ter; replaces glutamine 75 with a stop codon.
Molecular consequence: nonsense. On other transcripts: 5 prime UTR variant (1), non-coding transcript variant (1).
Genome position (GRCh38, 1-based): chrX:149,504,174, G>A on the plus strand (C>T on the coding strand, the complement: IDS is on the minus strand). VCF-style: chrX-149504174-G-A. GRCh37 (hg19) VCF-style: chrX-148585704-G-A.
Other names: c.-4C>T (NM_001166550.4); c.223C>T, p.Gln75Ter (NM_006123.5); short protein forms Q75*.
Identifiers: ClinVar variation 996937 (VCV000996937.3), dbSNP rs2089503778, ClinGen allele CA414527234.